The following is an entry in ClinVar:

ClinVar aggregate classification (germline): Likely benign (1 of 4 stars; one submission).

Allele frequency attached by ClinVar (database versions not stated): 1000 Genomes Project 0.00160; 1000 Genomes Project 30x 0.00187; TOPMed 0.00454; gnomAD 0.00528; gnomAD exomes 0.00721.
gnomAD v4.1: 9,225 of 1,332,188 alleles (0.69%); highest among the groups gnomAD compares: Non-Finnish European, 0.83%; 29 homozygotes.

Submission:

GeneDx
Classification: Likely benign. Last evaluated: 2021-05-11. Review status: criteria provided, single submitter. Criteria: GeneDx Variant Classification Process June 2021. Collection method: clinical testing. Allele origin: germline. Affected: yes.
Comment: See Variant Classification Assertion Criteria.

NM_004482.4(GALNT3):c.1192-84A>G

Gene: GALNT3 (polypeptide N-acetylgalactosaminyltransferase 3; minus strand). Cytogenetic location: 2q24.3.
Variant type: single nucleotide variant.
Coding change: c.1192-84A>G on transcript NM_004482.4 (MANE Select); 84 bases into the intron before coding-DNA position 1192, A replaced by G.
Molecular consequence: intron variant.
Genome position (GRCh38, 1-based): chr2:165,757,331, T>C on the plus strand (A>G on the coding strand, the complement: GALNT3 is on the minus strand). VCF-style: chr2-165757331-T-C. GRCh37 (hg19) VCF-style: chr2-166613841-T-C.
Identifiers: ClinVar variation 1706784 (VCV001706784.2), dbSNP rs181865244, ClinGen allele CA59747559.